The following is an entry in ClinVar:

ClinVar aggregate classification (germline): Uncertain significance (1 of 4 stars; one submission).

Conditions:
Cardiovascular phenotype. Identifiers: MedGen CN230736.

Submission:

Ambry Genetics
Classification: Uncertain significance for Cardiovascular phenotype. Last evaluated: 2026-05-14. Review status: criteria provided, single submitter. Criteria: Ambry Variant Classification Scheme 2023. Collection method: clinical testing. Allele origin: germline.
Comment: The p.R442G variant (also known as c.1324C>G), located in coding exon 8 of the TBX1 gene, results from a C to G substitution at nucleotide position 1324. The arginine at codon 442 is replaced by glycine, an amino acid with dissimilar properties. This amino acid position is conserved. In addition, the in silico prediction for this alteration is inconclusive. Based on the available evidence, the clinical significance of this variant remains unclear.

NM_001379200.1(TBX1):c.1351C>G (p.Arg451Gly)

Gene: TBX1 (T-box transcription factor 1; plus strand). Cytogenetic location: 22q11.21.
Variant type: single nucleotide variant.
Coding change: c.1351C>G on transcript NM_001379200.1 (MANE Select); coding-DNA position 1351, C replaced by G.
Protein change: p.Arg451Gly; replaces arginine 451 with glycine.
Molecular consequence: missense variant. On other transcripts: intron variant (2).
Genome position (GRCh38, 1-based): chr22:19,766,703, C>G. VCF-style: chr22-19766703-C-G. GRCh37 (hg19) VCF-style: chr22-19754226-C-G.
Other names: c.1324C>G, p.Arg442Gly (NM_080647.1); c.1009+701C>G (NM_005992.1, NM_080646.2); short protein forms R442G, R451G.
Identifiers: ClinVar variation 4865336 (VCV004865336.1).